The following is an entry in ClinVar:

NM_000198.4(HSD3B2):c.557C>T (p.Pro186Leu)

Gene: HSD3B2 (hydroxy-delta-5-steroid dehydrogenase, 3 beta- and steroid delta-isomerase 2; plus strand). Cytogenetic location: 1p12.
Variant type: single nucleotide variant.
Coding change: c.557C>T on transcript NM_000198.4 (MANE Select); coding-DNA position 557, C replaced by T.
Protein change: p.Pro186Leu; replaces proline 186 with leucine.
Molecular consequence: missense variant.
Genome position (GRCh38, 1-based): chr1:119,422,058, C>T. VCF-style: chr1-119422058-C-T. GRCh37 (hg19) VCF-style: chr1-119964681-C-T.
Other names: c.557C>T, p.Pro186Leu (NM_001166120.2); short protein forms P186L.
Identifiers: ClinVar variation 4526069 (VCV004526069.1).

ClinVar aggregate classification (germline): Likely pathogenic (1 of 4 stars; one submission).

Conditions:
Congenital adrenal hyperplasia. Identifiers: Orphanet 418, MedGen C0001627, MONDO:0018479, HP:0008258.

Submission:

Women's Health and Genetics/Laboratory Corporation of America, LabCorp
Classification: Likely pathogenic for Congenital adrenal hyperplasia. Last evaluated: 2025-07-08. Review status: criteria provided, single submitter. Criteria: LabCorp Variant Classification Summary - May 2015. Collection method: clinical testing. Allele origin: germline.
Comment: Variant summary: HSD3B2 c.557C>T (p.Pro186Leu) results in a non-conservative amino acid change in the encoded protein sequence. Algorithms developed to predict the effect of missense changes on protein structure and function all suggest that this variant is likely to be disruptive. The variant was absent in 251202 control chromosomes (gnomAD). c.557C>T has been observed in at least one compound heterozygous individual affected with Congenital Adrenal Hyperplasia (Sanchez_1994). Publications reported experimental evidence evaluating an impact on protein function, and demonstrated severely reduced activity for the variant protein (Sanchez_1994, Moisan_1999). The following publications have been ascertained in the context of this evaluation (PMID: 7833923, 10599696). No submitters have cited clinical-significance assessments for this variant to ClinVar. Based on the evidence outlined above, the variant was classified as likely pathogenic.

Literature cited by the submitters: PubMed 7833923; PubMed 10599696.